The following is an entry in ClinVar:

NM_017777.4(MKS1):c.1505C>G (p.Ser502Trp)

Gene: MKS1 (MKS transition zone complex subunit 1; minus strand). Cytogenetic location: 17q22.
Variant type: single nucleotide variant.
Coding change: c.1505C>G on transcript NM_017777.4 (MANE Select); coding-DNA position 1505, C replaced by G.
Protein change: p.Ser502Trp; replaces serine 502 with tryptophan.
Molecular consequence: missense variant.
Genome position (GRCh38, 1-based): chr17:58,206,366, G>C on the plus strand (C>G on the coding strand, the complement: MKS1 is on the minus strand). VCF-style: chr17-58206366-G-C. GRCh37 (hg19) VCF-style: chr17-56283727-G-C.
Other names: c.1505C>G (NM_017777.3); c.896C>G, p.Ser299Trp (NM_001321268.2); c.1422C>G, p.Ile474Met (NM_001321269.2); c.1288C>G, p.Arg430Gly (NM_001330397.2); short protein forms S502W, R430G, I474M, S299W.
Identifiers: ClinVar variation 501726 (VCV000501726.16), dbSNP rs758838271, ClinGen allele CA8669095.
Genomic context (GRCh38, chr17:58,206,366, plus strand): 5'-TGCTGGCTGAACCCTTCCAGACGGTCCAACACACTCCGCATCCTTTTCTGAAGGGAGCTC[G>C]ATTCCATGAAGGCCCTGCAGGGAGGCCAGCCACATGGTTACGGCTGTCTCCACCCCTCAG-3'
Protein context (NP_060247.2, residues 492-512): CLQQSRAFME[Ser502Trp]SSLQKRMRSV

ClinVar aggregate classification (germline): Conflicting classifications of pathogenicity. Review status: criteria provided, conflicting classifications (1 of 4 stars). 7 submissions from 7 submitters: Uncertain significance (6); Likely benign (1). Last evaluated 2026-04-02.

Conditions:
MKS1-related disorder. Also called: MKS1-related condition; MKS1-related disorders. Identifiers: MedGen CN239382.
Bardet-Biedl syndrome (BBS). Identifiers: Orphanet 110, MedGen C0752166, MONDO:0015229.
Joubert syndrome 28 (JBTS28). Identifiers: MedGen C4310705, MONDO:0014928, OMIM 617121.
Meckel syndrome, type 1 (MKS1). Also called: MECKEL-GRUBER SYNDROME, TYPE 1. Identifiers: Orphanet 564, MedGen C3714506, MONDO:0009571, OMIM 249000.
Bardet-Biedl syndrome 13 (BBS13). Identifiers: Orphanet 110, MedGen C2673873, MONDO:0014441, OMIM 615990.
Meckel-Gruber syndrome. Also called: GRUBER SYNDROME; DYSENCEPHALIA SPLANCHNOCYSTICA; Dysencephalia splachnocystica. Identifiers: Orphanet 564, MedGen C0265215, MONDO:0018921.
Joubert syndrome. Also called: JOUBERT-BOLTSHAUSER SYNDROME; Familial aplasia of the vermis. Identifiers: Orphanet 475, MedGen C5979921, MONDO:0018772.

Allele frequency attached by ClinVar (database versions not stated): gnomAD below 0.00001; 1000 Genomes Project 30x 0.00016.
gnomAD v4.1: 150 of 1,614,086 alleles (0.0093%); highest among the groups gnomAD compares: South Asian, 0.15%; 2 homozygotes.

Submissions (7):

PreventionGenetics, part of Exact Sciences
Classification: Uncertain significance for MKS1-related condition. Last evaluated: 2026-04-02. Review status: criteria provided, single submitter. Criteria: ACMG Guidelines, 2015. Collection method: clinical testing. Allele origin: germline.
Comment: The MKS1 c.1505C>G variant is predicted to result in the amino acid substitution p.Ser502Trp. This variant has been reported in the heterozygous state in individuals with obesity or Bardet-Biedl Syndrome (Supplementary Table 1, Roberts et al. 2022. PubMed ID: 35562395; Gnanasekaran et al. 2023. PubMed ID: 37431782). This variant is reported in 0.13% of alleles in individuals of South Asian descent in gnomAD, including one homozygous individual, which may be too frequent to be a primary cause of autosomal recessive disease. Although we suspect that this variant may be benign, at this time, the clinical significance of this variant is uncertain due to the absence of conclusive functional and genetic evidence.

Labcorp Genetics (formerly Invitae), Labcorp
Classification: Uncertain significance for Joubert syndrome; Meckel-Gruber syndrome. Last evaluated: 2025-01-06. Review status: criteria provided, single submitter. Criteria: Invitae Variant Classification Sherloc (09022015). Collection method: clinical testing. Allele origin: germline.
Comment: This sequence change replaces serine, which is neutral and polar, with tryptophan, which is neutral and slightly polar, at codon 502 of the MKS1 protein (p.Ser502Trp). This variant is present in population databases (rs758838271, gnomAD 0.1%), including at least one homozygous and/or hemizygous individual. This missense change has been observed in individual(s) with MKS1-related conditions (PMID: 37431782). ClinVar contains an entry for this variant (Variation ID: 501726). Invitae Evidence Modeling of protein sequence and biophysical properties (such as structural, functional, and spatial information, amino acid conservation, physicochemical variation, residue mobility, and thermodynamic stability) has been performed for this missense variant. However, the output from this modeling did not meet the statistical confidence thresholds required to predict the impact of this variant on MKS1 protein function. In summary, the available evidence is currently insufficient to determine the role of this variant in disease. Therefore, it has been classified as a Variant of Uncertain Significance.

Blueprint Genetics
Classification: Likely benign. Last evaluated: 2024-08-26. Review status: criteria provided, single submitter. Criteria: ACMG Guidelines, 2015. Collection method: clinical testing. Allele origin: germline.

SN ONGC Dept of Genetics and Molecular biology Vision Research Foundation
Classification: Uncertain significance for Bardet-Biedl syndrome. Last evaluated: 2023-06-02. Review status: criteria provided, single submitter. Criteria: ACMG Guidelines, 2015. Collection method: research. Allele origin: unknown. Affected: yes. Observed: 1 heterozygote.
Comment: This variant was observed in digenic inheritance with the variant NC_000001.10:g.5951013C>T.

Department of Pathology and Laboratory Medicine, Sinai Health System
Classification: Uncertain significance for Meckel syndrome, type 1; Bardet-Biedl syndrome 13; Joubert syndrome 28. Last evaluated: 2020-07-22. Review status: criteria provided, single submitter. Criteria: ACMG Guidelines, 2015. Collection method: research. Allele origin: germline.

Eurofins Ntd Llc (ga)
Classification: Uncertain significance. Last evaluated: 2018-06-01. Review status: criteria provided, single submitter. Criteria: EGL ClinVar v180209 classification definitions. Collection method: clinical testing. Allele origin: germline. Observed: 2 variant alleles, 2 heterozygotes.

Breakthrough Genomics
Classification: Uncertain significance. Review status: criteria provided, single submitter. Criteria: ACMG Guidelines, 2015. Collection method: not provided. Allele origin: germline. Inheritance: Autosomal recessive inheritance. Affected: yes.

Literature cited by the submitters: PubMed 37431782 (cited by Labcorp Genetics (formerly Invitae), Labcorp).